The following is an entry in ClinVar:

ClinVar aggregate classification (germline): Uncertain significance (1 of 4 stars; one submission).

gnomAD v4.1: 5 of 1,613,822 alleles (0.00031%); highest among the groups gnomAD compares: Non-Finnish European, 0.00042%; no homozygotes.

Submission:

Ambry Genetics
Classification: Uncertain significance. Last evaluated: 2025-10-22. Review status: criteria provided, single submitter. Criteria: Ambry Variant Classification Scheme 2023. Collection method: clinical testing. Allele origin: germline.
Comment: The p.R556P variant (also known as c.1667G>C), located in coding exon 17 of the KIF1B gene, results from a G to C substitution at nucleotide position 1667. The arginine at codon 556 is replaced by proline, an amino acid with dissimilar properties. This amino acid position is conserved. In addition, the in silico prediction for this alteration is inconclusive. Since supporting evidence is limited at this time, the clinical significance of this alteration remains unclear.

NM_001365951.3(KIF1B):c.1805G>C (p.Arg602Pro)

Gene: KIF1B (kinesin family member 1B; plus strand). Cytogenetic location: 1p36.22.
Variant type: single nucleotide variant.
Coding change: c.1805G>C on transcript NM_001365951.3 (MANE Select); coding-DNA position 1805, G replaced by C.
Protein change: p.Arg602Pro; replaces arginine 602 with proline.
Molecular consequence: missense variant.
Genome position (GRCh38, 1-based): chr1:10,296,609, G>C. VCF-style: chr1-10296609-G-C. GRCh37 (hg19) VCF-style: chr1-10356667-G-C.
Other names: c.1805G>C, p.Arg602Pro (NM_001365952.1); c.1667G>C, p.Arg556Pro (NM_001365953.1, NM_015074.3, NM_183416.4); short protein forms R556P, R602P.
Identifiers: ClinVar variation 3226365 (VCV003226365.2), dbSNP rs1173721364, ClinGen allele CA338315656.